The following is an entry in ClinVar:

NM_153033.5(KCTD7):c.*8C>T

Gene: KCTD7 (potassium channel tetramerization domain containing 7; plus strand). Cytogenetic location: 7q11.21.
Variant type: single nucleotide variant.
Coding change: c.*8C>T on transcript NM_153033.5 (MANE Select); 8 bases downstream of the stop codon, C replaced by T.
Molecular consequence: 3 prime UTR variant. On other transcripts: intron variant (1).
Genome position (GRCh38, 1-based): chr7:66,639,240, C>T. VCF-style: chr7-66639240-C-T. GRCh37 (hg19) VCF-style: chr7-66104227-C-T.
Other names: c.866+12C>T (NM_001167961.2).
Identifiers: ClinVar variation 379630 (VCV000379630.1), dbSNP rs375872253, ClinGen allele CA4278340.

ClinVar aggregate classification (germline): Likely benign (1 of 4 stars; one submission).

Allele frequency attached by ClinVar (database versions not stated): ExAC 0.00001; ESP Exome Variant Server 0.00008; TOPMed 0.00002; gnomAD 0.00001; gnomAD exomes 0.00002.

Submission:

GeneDx
Classification: Likely benign. Last evaluated: 2016-04-29. Review status: criteria provided, single submitter. Criteria: GeneDx Variant Classification (06012015). Collection method: clinical testing. Allele origin: germline. Affected: yes.
Comment: This variant is considered likely benign or benign based on one or more of the following criteria: it is a conservative change, it occurs at a poorly conserved position in the protein, it is predicted to be benign by multiple in silico algorithms, and/or has population frequency not consistent with disease.